The following is an entry in ClinVar:

NM_012318.3(LETM1):c.1447A>G (p.Lys483Glu)

Gene: LETM1 (leucine zipper and EF-hand containing transmembrane protein 1; minus strand). Cytogenetic location: 4p16.3.
Variant type: single nucleotide variant.
Coding change: c.1447A>G on transcript NM_012318.3 (MANE Select); coding-DNA position 1447, A replaced by G.
Protein change: p.Lys483Glu; replaces lysine 483 with glutamic acid.
Molecular consequence: missense variant.
Genome position (GRCh38, 1-based): chr4:1,823,017, T>C on the plus strand (A>G on the coding strand, the complement: LETM1 is on the minus strand). VCF-style: chr4-1823017-T-C. GRCh37 (hg19) VCF-style: chr4-1824744-T-C.
Other names: short protein forms K483E.
Identifiers: ClinVar variation 2044584 (VCV002044584.4), dbSNP rs775891100, ClinGen allele CA2811279.

ClinVar aggregate classification (germline): Uncertain significance (1 of 4 stars; one submission).

Allele frequency attached by ClinVar (database versions not stated): ExAC 0.00001; gnomAD 0.00001; TOPMed 0.00001; gnomAD exomes 0.00001.
gnomAD v4.1: 4 of 1,606,308 alleles (0.00025%); highest among the groups gnomAD compares: Admixed American, 0.0067%; no homozygotes.

Submission:

Labcorp Genetics (formerly Invitae), Labcorp
Classification: Uncertain significance. Last evaluated: 2022-08-02. Review status: criteria provided, single submitter. Criteria: Invitae Variant Classification Sherloc (09022015). Collection method: clinical testing. Allele origin: germline.
Comment: This sequence change replaces lysine, which is basic and polar, with glutamic acid, which is acidic and polar, at codon 483 of the LETM1 protein (p.Lys483Glu). This variant is present in population databases (rs775891100, gnomAD 0.01%). This variant has not been reported in the literature in individuals affected with LETM1-related conditions. Algorithms developed to predict the effect of missense changes on protein structure and function are either unavailable or do not agree on the potential impact of this missense change (SIFT: "Tolerated"; PolyPhen-2: "Possibly Damaging"; Align-GVGD: "Class C0"). In summary, the available evidence is currently insufficient to determine the role of this variant in disease. Therefore, it has been classified as a Variant of Uncertain Significance.